The following is an entry in ClinVar:

NM_001903.5(CTNNA1):c.2293G>C (p.Asp765His)

Gene: CTNNA1 (catenin alpha 1; plus strand). Cytogenetic location: 5q31.2.
Variant type: single nucleotide variant.
Coding change: c.2293G>C on transcript NM_001903.5 (MANE Select); coding-DNA position 2293, G replaced by C.
Protein change: p.Asp765His; replaces aspartic acid 765 with histidine.
Molecular consequence: missense variant.
Genome position (GRCh38, 1-based): chr5:138,930,930, G>C. VCF-style: chr5-138930930-G-C. GRCh37 (hg19) VCF-style: chr5-138266619-G-C.
Other names: c.2293G>C, p.Asp765His (NM_001290307.3, NM_001323982.2, NM_001323983.1 and 2 more transcripts); c.1984G>C, p.Asp662His (NM_001290309.3); c.1924G>C, p.Asp642His (NM_001290310.3); c.1183G>C, p.Asp395His (NM_001290312.1, NM_001323987.1, NM_001323988.1 and 17 more transcripts); c.2200G>C, p.Asp734His (NM_001323986.2); c.844G>C, p.Asp282His (NM_001324010.1, NM_001324006.1, NM_001324007.1 and 2 more transcripts); c.1090G>C, p.Asp364His (NM_001324011.1); c.940G>C, p.Asp314His (NM_001324012.1, NM_001324013.1); short protein forms D395H, D642H, D282H, D364H, D734H, D765H, D314H, D662H.
Identifiers: ClinVar variation 2857499 (VCV002857499.3), dbSNP rs1765163097, ClinGen allele CA361133967.
Genomic context (GRCh38, chr5:138,930,930, plus strand): 5'-GCTGCCAAGAAAATTGCTGAGGCAGGATCCAGGATGGACAAGCTTGGCCGCACCATTGCA[G>C]ACCATGTAAGTGACAGACTTGCCAGGTGGGTCTCCAAGCTCCTCCTGGGGCTCAGGCAGC-3'
Protein context (NP_001894.2, residues 755-775): RMDKLGRTIA[Asp765His]HCPDSACKQD

ClinVar aggregate classification (germline): Uncertain significance (1 of 4 stars; one submission).

Allele frequency attached by ClinVar (database versions not stated): gnomAD exomes below 0.00001.
gnomAD v4.1: 1 of 1,610,974 alleles (0.000062%); highest among the groups gnomAD compares: East Asian, 0.0022%; no homozygotes.

Submission:

Labcorp Genetics (formerly Invitae), Labcorp
Classification: Uncertain significance. Last evaluated: 2023-04-19. Review status: criteria provided, single submitter. Criteria: Invitae Variant Classification Sherloc (09022015). Collection method: clinical testing. Allele origin: germline.
Comment: In summary, the available evidence is currently insufficient to determine the role of this variant in disease. Therefore, it has been classified as a Variant of Uncertain Significance. Advanced modeling of protein sequence and biophysical properties (such as structural, functional, and spatial information, amino acid conservation, physicochemical variation, residue mobility, and thermodynamic stability) performed at Invitae indicates that this missense variant is not expected to disrupt CTNNA1 protein function. This variant has not been reported in the literature in individuals affected with CTNNA1-related conditions. This variant is not present in population databases (gnomAD no frequency). This sequence change replaces aspartic acid, which is acidic and polar, with histidine, which is basic and polar, at codon 765 of the CTNNA1 protein (p.Asp765His).